The following is an entry in ClinVar:

ClinVar aggregate classification (germline): Uncertain significance. Review status: criteria provided, multiple submitters, no conflicts (2 of 4 stars). 2 submissions from 2 submitters: Uncertain significance (2). Last evaluated 2025-07-08.

Conditions:
Bethlem myopathy 1A. Also called: Bethlem Muscular Dystrophy; MYOPATHY, BENIGN CONGENITAL, WITH CONTRACTURES; Bethlem myopathy 1. Identifiers: Orphanet 610, MedGen CN029274, MONDO:0024530, OMIM 158810.

gnomAD v4.1: 2 of 1,613,950 alleles (0.00012%); highest among the groups gnomAD compares: South Asian, 0.0011%; no homozygotes.

Submissions (2):

Labcorp Genetics (formerly Invitae), Labcorp
Classification: Uncertain significance for Bethlem myopathy 1A. Last evaluated: 2025-07-08. Review status: criteria provided, single submitter. Criteria: Invitae Variant Classification Sherloc (09022015). Collection method: clinical testing. Allele origin: germline.
Comment: This sequence change replaces arginine, which is basic and polar, with cysteine, which is neutral and slightly polar, at codon 1660 of the COL6A3 protein (p.Arg1660Cys). This variant is not present in population databases (gnomAD no frequency). This missense change has been observed in individual(s) with clinical features of type VI collagenopathy (PMID: 29894794). In at least one individual the data is consistent with being in trans (on the opposite chromosome) from a pathogenic variant. ClinVar contains an entry for this variant (Variation ID: 497846). Invitae Evidence Modeling of protein sequence and biophysical properties (such as structural, functional, and spatial information, amino acid conservation, physicochemical variation, residue mobility, and thermodynamic stability) indicates that this missense variant is not expected to disrupt COL6A3 protein function with a negative predictive value of 80%. In summary, the available evidence is currently insufficient to determine the role of this variant in disease. Therefore, it has been classified as a Variant of Uncertain Significance.

Eurofins Ntd Llc (ga)
Classification: Uncertain significance. Last evaluated: 2016-10-12. Review status: criteria provided, single submitter. Criteria: EGL Classification Definitions 2015. Collection method: clinical testing. Allele origin: germline. Observed: 1 variant allele, 1 heterozygote.

Literature cited by the submitters: PubMed 29894794 (cited by Labcorp Genetics (formerly Invitae), Labcorp).

NM_004369.4(COL6A3):c.4978C>T (p.Arg1660Cys)

Gene: COL6A3 (collagen type VI alpha 3 chain; minus strand). Cytogenetic location: 2q37.3.
Variant type: single nucleotide variant.
Coding change: c.4978C>T on transcript NM_004369.4 (MANE Select); coding-DNA position 4978, C replaced by T.
Protein change: p.Arg1660Cys; replaces arginine 1660 with cysteine.
Molecular consequence: missense variant.
Genome position (GRCh38, 1-based): chr2:237,367,209, G>A on the plus strand (C>T on the coding strand, the complement: COL6A3 is on the minus strand). VCF-style: chr2-237367209-G-A. GRCh37 (hg19) VCF-style: chr2-238275852-G-A.
Other names: c.3157C>T, p.Arg1053Cys (NM_057166.5); c.4360C>T, p.Arg1454Cys (NM_057167.4); short protein forms R1660C, R1053C, R1454C.
Identifiers: ClinVar variation 497846 (VCV000497846.13), dbSNP rs1553556695, ClinGen allele CA351189821.
Genomic context (GRCh38, chr2:237,367,209, plus strand): 5'-GCCCCACTTGGATGGAGTCGCCATCTTCATAAACTGTGTCCACTATTTCAGACACAAAAC[G>A]AAGCACTTCCTGGAAACTGTCCCTCCTGAAGTTGATGGAACCATCCAACAGGAACACAAT-3'
Protein context (NP_004360.2, residues 1650-1670): FRRDSFQEVL[Arg1660Cys]FVSEIVDTVY